The following is an entry in ClinVar:

ClinVar aggregate classification (germline): Uncertain significance (1 of 4 stars; one submission).

Submission:

Labcorp Genetics (formerly Invitae), Labcorp
Classification: Uncertain significance. Last evaluated: 2025-11-15. Review status: criteria provided, single submitter. Criteria: Invitae Variant Classification Sherloc (09022015). Collection method: clinical testing. Allele origin: germline.
Comment: This sequence change replaces threonine, which is neutral and polar, with alanine, which is neutral and non-polar, at codon 442 of the KLHL9 protein (p.Thr442Ala). This variant is present in population databases (rs147375233, gnomAD 0.007%). This variant has not been reported in the literature in individuals affected with KLHL9-related conditions. Invitae Evidence Modeling of protein sequence and biophysical properties (such as structural, functional, and spatial information, amino acid conservation, physicochemical variation, residue mobility, and thermodynamic stability) indicates that this missense variant is not expected to disrupt KLHL9 protein function with a negative predictive value of 80%. In summary, the available evidence is currently insufficient to determine the role of this variant in disease. Therefore, it has been classified as a Variant of Uncertain Significance.

NM_018847.4(KLHL9):c.1324A>G (p.Thr442Ala)

Gene: KLHL9 (kelch like family member 9; minus strand). Cytogenetic location: 9p21.3.
Variant type: single nucleotide variant.
Coding change: c.1324A>G on transcript NM_018847.4 (MANE Select); coding-DNA position 1324, A replaced by G.
Protein change: p.Thr442Ala; replaces threonine 442 with alanine.
Molecular consequence: missense variant.
Genome position (GRCh38, 1-based): chr9:21,333,536, T>C on the plus strand (A>G on the coding strand, the complement: KLHL9 is on the minus strand). VCF-style: chr9-21333536-T-C. GRCh37 (hg19) VCF-style: chr9-21333535-T-C.
Other names: short protein forms T442A.
Identifiers: ClinVar variation 4753106 (VCV004753106.1).
Genomic context (GRCh38, chr9:21,333,536, plus strand): 5'-CATTTTGGAAAGTGTCATGGGTAATTCCTCCTGAAATATACATTAAGCCTCCATATACTG[T>C]TCCAGCATGACCATAGTGGGGTTCACTCATTTTTGCAACATAGCTCCACTCATTCATTCT-3'
Protein context (NP_061335.1, residues 432-452): MSEPHYGHAG[Thr442Ala]VYGGLMYISG